The following is an entry in ClinVar:

NM_001290321.3(DMXL1):c.608G>A (p.Arg203Gln)

Gene: DMXL1 (Dmx like 1; plus strand). Cytogenetic location: 5q23.1.
Variant type: single nucleotide variant.
Coding change: c.608G>A on transcript NM_001290321.3 (MANE Select); coding-DNA position 608, G replaced by A.
Protein change: p.Arg203Gln; replaces arginine 203 with glutamine.
Molecular consequence: missense variant. On other transcripts: non-coding transcript variant (3).
Genome position (GRCh38, 1-based): chr5:119,116,201, G>A. VCF-style: chr5-119116201-G-A. GRCh37 (hg19) VCF-style: chr5-118451896-G-A.
Other names: c.608G>A, p.Arg203Gln (NM_001349239.2, NM_001349240.2, NM_001387933.1 and 4 more transcripts); short protein forms R203Q.
Identifiers: ClinVar variation 3049987 (VCV003049987.2), dbSNP rs149368675, ClinGen allele CA3379174.

ClinVar aggregate classification (germline): Benign (0 of 4 stars; one submission).

Conditions:
DMXL1-related disorder. Also called: DMXL1-related condition.

Allele frequency attached by ClinVar (database versions not stated): gnomAD 0.00054; ExAC 0.00059; 1000 Genomes Project 0.00060; 1000 Genomes Project 30x 0.00062; TOPMed 0.00073; ESP Exome Variant Server 0.00077.
gnomAD v4.1: 644 of 1,613,336 alleles (0.04%); highest among the groups gnomAD compares: African/African-American, 0.065%; 3 homozygotes.

Submission:

PreventionGenetics, part of Exact Sciences
Classification: Benign for DMXL1-related condition. Last evaluated: 2019-07-10. Review status: no assertion criteria provided. Collection method: clinical testing. Allele origin: germline.
Comment: This variant is classified as benign based on ACMG/AMP sequence variant interpretation guidelines (Richards et al. 2015 PMID: 25741868, with internal and published modifications).